The following is an entry in ClinVar:

ClinVar aggregate classification (germline): Conflicting classifications of pathogenicity. Review status: criteria provided, conflicting classifications (1 of 4 stars). 4 submissions from 4 submitters: Uncertain significance (1); Likely benign (2). 1 of the submissions does not count toward it. Last evaluated 2025-10-07.

Conditions:
Nephronophthisis. Also called: Juvenile Nephronophthisis. Identifiers: Orphanet 655, MedGen C0687120, MONDO:0019005, HP:0000090.
INVS-related disorder. Also called: INVS-related condition.

Allele frequency attached by ClinVar (database versions not stated): ExAC 0.00002; gnomAD 0.00003 and 0.00004; gnomAD exomes 0.00003 and 0.00004; TOPMed 0.00003.
gnomAD v4.1: 50 of 1,613,898 alleles (0.0031%); highest among the groups gnomAD compares: Middle Eastern, 0.082%; no homozygotes.

Submissions (4):

Labcorp Genetics (formerly Invitae), Labcorp
Classification: Likely benign for Nephronophthisis. Last evaluated: 2025-10-07. Review status: criteria provided, single submitter. Criteria: Invitae Variant Classification Sherloc (09022015). Collection method: clinical testing. Allele origin: germline.

Blueprint Genetics
Classification: Likely benign. Last evaluated: 2024-08-23. Review status: criteria provided, single submitter. Criteria: ACMG Guidelines, 2015. Collection method: clinical testing. Allele origin: germline.

Eurofins Ntd Llc (ga)
Classification: Uncertain significance. Last evaluated: 2017-10-10. Review status: criteria provided, single submitter. Criteria: EGL Classification Definitions 2015. Collection method: clinical testing. Allele origin: germline. Observed: 2 variant alleles, 2 heterozygotes.

PreventionGenetics, part of Exact Sciences
Classification: Likely benign for INVS-related condition. Last evaluated: 2019-08-28. Review status: no assertion criteria provided. Collection method: clinical testing. Allele origin: germline. Not counted in ClinVar's aggregate classification.
Comment: This variant is classified as likely benign based on ACMG/AMP sequence variant interpretation guidelines (Richards et al. 2015 PMID: 25741868, with internal and published modifications).

NM_014425.5(INVS):c.1107T>C (p.His369=)

Gene: INVS (inversin; plus strand). Cytogenetic location: 9q31.1.
Variant type: single nucleotide variant.
Coding change: c.1107T>C on transcript NM_014425.5 (MANE Select); coding-DNA position 1107, T replaced by C.
Protein change: p.His369=; no amino-acid change (histidine 369 retained).
Molecular consequence: synonymous variant. On other transcripts: non-coding transcript variant (1).
Genome position (GRCh38, 1-based): chr9:100,252,311, T>C. VCF-style: chr9-100252311-T-C. GRCh37 (hg19) VCF-style: chr9-103014593-T-C.
Other names: c.1107T>C (NM_014425.4); c.819T>C, p.His273= (NM_001318381.2); c.129T>C, p.His43= (NM_001318382.2).
Identifiers: ClinVar variation 286683 (VCV000286683.16), dbSNP rs760637052, ClinGen allele CA5158330.
Genomic context (GRCh38, chr9:100,252,311, plus strand): 5'-TAGTTCATCACTTTCTGTTGGTTCCCTTTTAGCTTTGCATGCTGCTGCTCTTTCTGGCCA[T>C]GTCAGCACCGTGAAGTTATTACTGGAAAATAATGCTCAAGTAGATGCTACTGATGTTATG-3'
Protein context (NP_055240.2, residues 359-379): TALHAAALSG[His369=]VSTVKLLLEN